The following is an entry in ClinVar:

NM_033305.3(VPS13A):c.7448A>G (p.Glu2483Gly)

Gene: VPS13A (vacuolar protein sorting 13 homolog A; plus strand). Cytogenetic location: 9q21.2.
Variant type: single nucleotide variant.
Coding change: c.7448A>G on transcript NM_033305.3 (MANE Select); coding-DNA position 7448, A replaced by G.
Protein change: p.Glu2483Gly; replaces glutamic acid 2483 with glycine.
Molecular consequence: missense variant.
Genome position (GRCh38, 1-based): chr9:77,353,437, A>G. VCF-style: chr9-77353437-A-G. GRCh37 (hg19) VCF-style: chr9-79968353-A-G.
Other names: c.7331A>G, p.Glu2444Gly (NM_001018037.2); c.7448A>G, p.Glu2483Gly (NM_001018038.3, NM_015186.4); c.7448A>G (NM_033305.2); short protein forms E2444G, E2483G.
Identifiers: ClinVar variation 1931729 (VCV001931729.3), dbSNP rs749586115, ClinGen allele CA5093358.

ClinVar aggregate classification (germline): Uncertain significance. Review status: criteria provided, multiple submitters, no conflicts (2 of 4 stars). 2 submissions from 2 submitters: Uncertain significance (2). Last evaluated 2025-04-13.

Conditions:
Inborn genetic diseases. Identifiers: MedGen C0950123, MeSH D030342.

Allele frequency attached by ClinVar (database versions not stated): ExAC 0.00002; gnomAD 0.00001.
gnomAD v4.1: 40 of 1,600,982 alleles (0.0025%); highest among the groups gnomAD compares: Non-Finnish European, 0.0033%; no homozygotes.

Submissions (2):

Ambry Genetics
Classification: Uncertain significance for Inborn genetic diseases. Last evaluated: 2025-04-13. Review status: criteria provided, single submitter. Criteria: Ambry Variant Classification Scheme 2023. Collection method: clinical testing. Allele origin: germline.

Labcorp Genetics (formerly Invitae), Labcorp
Classification: Uncertain significance. Last evaluated: 2022-06-22. Review status: criteria provided, single submitter. Criteria: Invitae Variant Classification Sherloc (09022015). Collection method: clinical testing. Allele origin: germline.
Comment: This sequence change replaces glutamic acid, which is acidic and polar, with glycine, which is neutral and non-polar, at codon 2483 of the VPS13A protein (p.Glu2483Gly). The frequency data for this variant in the population databases is considered unreliable, as metrics indicate poor data quality at this position in the gnomAD database. This variant has not been reported in the literature in individuals affected with VPS13A-related conditions. Algorithms developed to predict the effect of missense changes on protein structure and function (SIFT, PolyPhen-2, Align-GVGD) all suggest that this variant is likely to be tolerated. Algorithms developed to predict the effect of sequence changes on RNA splicing suggest that this variant may disrupt the consensus splice site. In summary, the available evidence is currently insufficient to determine the role of this variant in disease. Therefore, it has been classified as a Variant of Uncertain Significance.